The following is an entry in ClinVar:

NM_001351132.2(PEX5):c.230G>A (p.Arg77His)

Gene: PEX5 (peroxisomal biogenesis factor 5; plus strand). Cytogenetic location: 12p13.31.
Variant type: single nucleotide variant.
Coding change: c.230G>A on transcript NM_001351132.2 (MANE Select); coding-DNA position 230, G replaced by A.
Protein change: p.Arg77His; replaces arginine 77 with histidine.
Molecular consequence: missense variant.
Genome position (GRCh38, 1-based): chr12:7,191,272, G>A. VCF-style: chr12-7191272-G-A. GRCh37 (hg19) VCF-style: chr12-7343868-G-A.
Other names: c.230G>A, p.Arg77His (NM_000319.5, NM_001131024.2, NM_001131025.2 and 19 more transcripts); c.275G>A, p.Arg92His (NM_001131023.2, NM_001351135.3, NM_001351138.2); short protein forms R77H, R92H.
Identifiers: ClinVar variation 498328 (VCV000498328.13), dbSNP rs780957318, ClinGen allele CA6426068.
Genomic context (GRCh38, chr12:7,191,272, plus strand): 5'-TTCCCTTCTGGCAGTTGGTGGCTGAATTCCTGCAGGACCAGAATGCACCCCTTGTGTCCC[G>A]TGCCCCTCAGACCTTCAAGATGGATGACCTCCTGGCTGAGATGCAGCAGATTGAGCAGTC-3'
Protein context (NP_001338061.1, residues 67-87): LQDQNAPLVS[Arg77His]APQTFKMDDL

ClinVar aggregate classification (germline): Uncertain significance. Review status: criteria provided, multiple submitters, no conflicts (2 of 4 stars). 5 submissions from 5 submitters: Uncertain significance (5). Last evaluated 2023-12-06.

Conditions:
Peroxisome biogenesis disorder 2B (PBD2B). Identifiers: Orphanet 44, MedGen C3550234, MONDO:0008736, OMIM 202370.
Peroxisome biogenesis disorder 2A (Zellweger) (PBD2A). Also called: Cerebrohepatorenal syndrome, variant types. Identifiers: Orphanet 912, MedGen C3550273, MONDO:0008954, OMIM 214110.
Rhizomelic chondrodysplasia punctata type 5 (RCDP5). Identifiers: Orphanet 468717, MedGen C4225237, MONDO:0014743, OMIM 616716.

Allele frequency attached by ClinVar (database versions not stated): TOPMed 0.00003; gnomAD 0.00005 and 0.00006; ExAC 0.00009; gnomAD exomes 0.00012.
gnomAD v4.1: 50 of 1,613,952 alleles (0.0031%); highest among the groups gnomAD compares: Admixed American, 0.06%; no homozygotes.

Submissions (5):

Labcorp Genetics (formerly Invitae), Labcorp
Classification: Uncertain significance for Peroxisome biogenesis disorder 2B. Last evaluated: 2023-12-06. Review status: criteria provided, single submitter. Criteria: Invitae Variant Classification Sherloc (09022015). Collection method: clinical testing. Allele origin: germline.
Comment: This sequence change replaces arginine, which is basic and polar, with histidine, which is basic and polar, at codon 77 of the PEX5 protein (p.Arg77His). This variant is present in population databases (rs780957318, gnomAD 0.08%). This variant has not been reported in the literature in individuals affected with PEX5-related conditions. ClinVar contains an entry for this variant (Variation ID: 498328). An algorithm developed to predict the effect of missense changes on protein structure and function (PolyPhen-2) suggests that this variant¬†is likely to be tolerated. In summary, the available evidence is currently insufficient to determine the role of this variant in disease. Therefore, it has been classified as a Variant of Uncertain Significance.

Fulgent Genetics
Classification: Uncertain significance for Peroxisome biogenesis disorder 2B; Peroxisome biogenesis disorder 2A (Zellweger); Rhizomelic chondrodysplasia punctata type 5. Last evaluated: 2021-09-01. Review status: criteria provided, single submitter. Criteria: ACMG Guidelines, 2015. Collection method: clinical testing. Allele origin: unknown.

Elsea Laboratory, Baylor College of Medicine
Classification: Uncertain significance for Peroxisome biogenesis disorder 2A (Zellweger); Peroxisome biogenesis disorder 2B; Rhizomelic chondrodysplasia punctata type 5. Last evaluated: 2020-04-01. Review status: criteria provided, single submitter. Criteria: ACMG Guidelines, 2015. Collection method: clinical testing. Allele origin: germline. Affected: no.

Blueprint Genetics
Classification: Uncertain significance. Last evaluated: 2019-02-08. Review status: criteria provided, single submitter. Criteria: ACMG Guidelines, 2015. Collection method: clinical testing. Allele origin: germline.

Eurofins Ntd Llc (ga)
Classification: Uncertain significance. Last evaluated: 2017-10-25. Review status: criteria provided, single submitter. Criteria: EGL Classification Definitions 2015. Collection method: clinical testing. Allele origin: germline. Observed: 2 variant alleles, 2 heterozygotes.